The following is an entry in ClinVar:

ClinVar aggregate classification (germline): Conflicting classifications of pathogenicity. Review status: criteria provided, conflicting classifications (1 of 4 stars). 5 submissions from 5 submitters: Uncertain significance (1); Likely benign (4). Last evaluated 2025-01-31.

Conditions:
Retinal dystrophy. Also called: Inherited retinal dystrophy. Identifiers: Orphanet 71862, MedGen C0854723, MeSH D058499, MONDO:0019118, HP:0000556.
Retinitis pigmentosa (RP). Identifiers: Orphanet 791, MedGen C0035334, MeSH D012174, MONDO:0019200, OMIM 268000. Inheritance: Autosomal dominant, autosomal recessive and X linked inheritance.
PCARE-related disorder. Also called: PCARE-related condition.

Allele frequency attached by ClinVar (database versions not stated): gnomAD 0.00005 and 0.00006; TOPMed 0.00005; gnomAD exomes 0.00006 and 0.00011; ExAC 0.00016; 1000 Genomes Project 30x 0.00031; 1000 Genomes Project 0.00040.

Submissions (5):

PreventionGenetics, part of Exact Sciences
Classification: Likely benign for PCARE-related condition. Last evaluated: 2025-01-31. Review status: criteria provided, single submitter. Criteria: ACMG Guidelines, 2015. Collection method: clinical testing. Allele origin: germline.
Comment: This variant is classified as likely benign based on ACMG/AMP sequence variant interpretation guidelines (Richards et al. 2015 PMID: 25741868, with internal and published modifications).

Blueprint Genetics
Classification: Likely benign. Last evaluated: 2024-09-18. Review status: criteria provided, single submitter. Criteria: ACMG Guidelines, 2015. Collection method: clinical testing. Allele origin: germline.

Labcorp Genetics (formerly Invitae), Labcorp
Classification: Likely benign. Last evaluated: 2024-02-16. Review status: criteria provided, single submitter. Criteria: Invitae Variant Classification Sherloc (09022015). Collection method: clinical testing. Allele origin: germline.

Dept Of Ophthalmology, Nagoya University
Classification: Likely benign for Retinal dystrophy. Last evaluated: 2023-10-01. Review status: criteria provided, single submitter. Criteria: Submitter's publication. Collection method: research. Allele origin: germline. Affected: yes.

Illumina Laboratory Services, Illumina
Classification: Uncertain significance for Retinitis pigmentosa. Last evaluated: 2018-01-13. Review status: criteria provided, single submitter. Criteria: ICSL Variant Classification Criteria 13 December 2019. Collection method: clinical testing. Allele origin: germline.

NM_001029883.3(PCARE):c.2898A>C (p.Pro966=)

Gene: PCARE (photoreceptor cilium actin regulator; minus strand). Cytogenetic location: 2p23.2.
Variant type: single nucleotide variant.
Coding change: c.2898A>C on transcript NM_001029883.3 (MANE Select); coding-DNA position 2898, A replaced by C.
Protein change: p.Pro966=; no amino-acid change (proline 966 retained).
Molecular consequence: synonymous variant.
Genome position (GRCh38, 1-based): chr2:29,071,364, T>G on the plus strand (A>C on the coding strand, the complement: PCARE is on the minus strand). VCF-style: chr2-29071364-T-G. GRCh37 (hg19) VCF-style: chr2-29294230-T-G.
Identifiers: ClinVar variation 897890 (VCV000897890.15), dbSNP rs187119693, ClinGen allele CA1592088.